The following is an entry in ClinVar:

NM_004699.4(FAM50A):c.599A>C (p.Glu200Ala)

Gene: FAM50A (family with sequence similarity 50 member A; plus strand). Cytogenetic location: Xq28.
Variant type: single nucleotide variant.
Coding change: c.599A>C on transcript NM_004699.4 (MANE Select); coding-DNA position 599, A replaced by C.
Protein change: p.Glu200Ala; replaces glutamic acid 200 with alanine.
Molecular consequence: missense variant.
Genome position (GRCh38, 1-based): chrX:154,448,905, A>C. VCF-style: chrX-154448905-A-C. GRCh37 (hg19) VCF-style: chrX-153677253-A-C.
Other names: short protein forms E200A.
Identifiers: ClinVar variation 4086574 (VCV004086574.1).
Genomic context (GRCh38, chrX:154,448,905, plus strand): 5'-GGCTGCTCTCAGTGGGGCTGGAGACCAAGAGGCAGCTCTGCCTTGTAGGTGAGGAGATCG[A>C]GATCACCTTCAGCTACTGGGATGGCTCTGGGCACCGGCGGACAGTCAAGGTAGGCAGCGT-3'
Protein context (NP_004690.1, residues 190-210): KQEKIKSEEI[Glu200Ala]ITFSYWDGSG

ClinVar aggregate classification (germline): Uncertain significance (1 of 4 stars; one submission).

Submission:

GeneDx
Classification: Uncertain significance. Last evaluated: 2025-03-17. Review status: criteria provided, single submitter. Criteria: GeneDx Variant Classification Process June 2021. Collection method: clinical testing. Allele origin: germline. Affected: yes.
Comment: Not observed at significant frequency in large population cohorts (gnomAD); In silico analysis supports that this missense variant has a deleterious effect on protein structure/function; Has not been previously published as pathogenic or benign to our knowledge